The following is an entry in ClinVar:

NM_022132.5(MCCC2):c.671C>T (p.Pro224Leu)

Gene: MCCC2 (methylcrotonyl-CoA carboxylase subunit 2; plus strand). Cytogenetic location: 5q13.2.
Variant type: single nucleotide variant.
Coding change: c.671C>T on transcript NM_022132.5 (MANE Select); coding-DNA position 671, C replaced by T.
Protein change: p.Pro224Leu; replaces proline 224 with leucine.
Molecular consequence: missense variant. On other transcripts: intron variant (1).
Genome position (GRCh38, 1-based): chr5:71,626,686, C>T. VCF-style: chr5-71626686-C-T. GRCh37 (hg19) VCF-style: chr5-70922513-C-T.
Other names: c.625-5435C>T (NM_001363147.1); c.671C>T (NM_022132.4); short protein forms P224L.
Identifiers: ClinVar variation 3592748 (VCV003592748.2).

ClinVar aggregate classification (germline): Conflicting classifications of pathogenicity. Review status: criteria provided, conflicting classifications (1 of 4 stars). 2 submissions from 2 submitters: Likely pathogenic (1); Uncertain significance (1). Last evaluated 2024-11-20.

Conditions:
3-methylcrotonyl-CoA carboxylase 2 deficiency. Also called: 3 alpha methylcrotonyl-CoA carboxylase 2 deficiency; 3 alpha methylcrotonylglycinuria 2; MCC 2 deficiency; Methylcrotonylglycinuria type 2; METHYLCROTONYLGLYCINURIA, TYPE II. Identifiers: Orphanet 6, MedGen C1859499, MONDO:0008862, OMIM 210210.
MCCC2-related disorder. Also called: MCCC2-related condition.

gnomAD v4.1: 5 of 1,614,028 alleles (0.00031%); highest among the groups gnomAD compares: Non-Finnish European, 0.00034%; no homozygotes.

Submissions (2):

PreventionGenetics, part of Exact Sciences
Classification: Uncertain significance for MCCC2-related condition. Last evaluated: 2024-11-20. Review status: criteria provided, single submitter. Criteria: ACMG Guidelines, 2015. Collection method: clinical testing. Allele origin: germline.
Comment: The MCCC2 c.671C>T variant is predicted to result in the amino acid substitution p.Pro224Leu. This variant was reported in the homozygous state in an asymptomatic individual with abnormal newborn screen results suggestive of 3-methylcrotonyl-CoA carboxylase deficiency (Grünert et al. 2012. PubMed ID: 22642865). This variant has not been reported in a large population database (gnomAD), indicating this variant is rare. Although we suspect that this variant may be pathogenic, at this time, the clinical significance of this variant is uncertain due to the absence of conclusive functional and genetic evidence.

Fulgent Genetics
Classification: Likely pathogenic for 3-methylcrotonyl-CoA carboxylase 2 deficiency. Last evaluated: 2024-06-22. Review status: criteria provided, single submitter. Criteria: ACMG Guidelines, 2015. Collection method: clinical testing. Allele origin: germline.